The following is an entry in ClinVar:

ClinVar aggregate classification (germline): Pathogenic/Likely pathogenic. Review status: criteria provided, multiple submitters, no conflicts (2 of 4 stars). 2 submissions from 2 submitters: Pathogenic (1); Likely pathogenic (1). Last evaluated 2023-05-18.

Conditions:
ABHD12-related disorder. Also called: ABHD12-related condition.

Submissions (2):

Labcorp Genetics (formerly Invitae), Labcorp
Classification: Pathogenic. Last evaluated: 2023-05-18. Review status: criteria provided, single submitter. Criteria: Invitae Variant Classification Sherloc (09022015). Collection method: clinical testing. Allele origin: germline.
Comment: This sequence change creates a premature translational stop signal (p.Ala27Argfs*23) in the ABHD12 gene. It is expected to result in an absent or disrupted protein product. Loss-of-function variants in ABHD12 are known to be pathogenic (PMID: 20797687). This variant is not present in population databases (gnomAD no frequency). This variant has not been reported in the literature in individuals affected with ABHD12-related conditions. For these reasons, this variant has been classified as Pathogenic.

Blueprint Genetics
Classification: Likely pathogenic for ABHD12-related disorders. Last evaluated: 2021-12-22. Review status: criteria provided, single submitter. Criteria: ACMG Guidelines, 2015. Collection method: clinical testing. Allele origin: germline. Affected: yes. Observed: 1 variant allele.

Literature cited by the submitters: PubMed 20797687 (cited by Labcorp Genetics (formerly Invitae), Labcorp).

NM_001042472.3(ABHD12):c.78dup (p.Ala27fs)

Genes: ABHD12 (abhydrolase domain containing 12, lysophospholipase; minus strand), LOC130065586 (ATAC-STARR-seq lymphoblastoid silent region 12752; plus strand). Cytogenetic location: 20p11.21.
Variant type: Duplication.
Coding change: c.78dup on transcript NM_001042472.3 (MANE Select); coding-DNA position 78, one base duplicated (C; older notation c.78dupC).
Protein change: p.Ala27fs; shifts the reading frame from alanine 27.
Molecular consequence: frameshift variant.
Genome position (GRCh38, 1-based): chr20:25,390,626, G duplicated on the plus strand (C on the coding strand, the reverse complement: ABHD12 is on the minus strand); the first of 2 consecutive G bases (chr20:25,390,626-25,390,627); duplicating either gives the same sequence. VCF-style (leftmost placement, unchanged base first): chr20-25390625-C-CG. GRCh37 (hg19) VCF-style: chr20-25371261-C-CG.
Other names: c.78dup, p.Ala27fs (NM_015600.5); short protein forms A27fs.
Identifiers: ClinVar variation 2787117 (VCV002787117.4), dbSNP rs2090162979, ClinGen allele CA2739277133.